The following is an entry in ClinVar:

ClinVar aggregate classification (germline): Uncertain significance (1 of 4 stars; one submission).

Conditions:
Arrhythmogenic cardiomyopathy with wooly hair and keratoderma. Also called: Carvajal syndrome; Dilated cardiomyopathy with woolly hair and keratoderma; PALMOPLANTAR KERATODERMA WITH LEFT VENTRICULAR CARDIOMYOPATHY AND WOOLLY HAIR; Arrhythmogenic cardiomyopathy with woolly hair and keratoderma. Identifiers: Orphanet 65282, MedGen C1854063, MONDO:0011581, OMIM 605676.
Arrhythmogenic right ventricular dysplasia 8 (ARVD8). Also called: Arrhythmogenic Right Ventricular Dysplasia/Cardiomyopathy 8; ARRHYTHMOGENIC RIGHT VENTRICULAR DYSPLASIA, FAMILIAL, 8; ARRHYTHMOGENIC RIGHT VENTRICULAR CARDIOMYOPATHY 8. Identifiers: MedGen C1843896, MONDO:0011831, OMIM 607450.

Submission:

Labcorp Genetics (formerly Invitae), Labcorp
Classification: Uncertain significance for Arrhythmogenic cardiomyopathy with wooly hair and keratoderma; Arrhythmogenic right ventricular dysplasia 8. Last evaluated: 2022-08-06. Review status: criteria provided, single submitter. Criteria: Invitae Variant Classification Sherloc (09022015). Collection method: clinical testing. Allele origin: germline.
Comment: This variant has not been reported in the literature in individuals affected with DSP-related conditions. In summary, the available evidence is currently insufficient to determine the role of this variant in disease. Therefore, it has been classified as a Variant of Uncertain Significance. Algorithms developed to predict the effect of missense changes on protein structure and function are either unavailable or do not agree on the potential impact of this missense change (SIFT: "Deleterious"; PolyPhen-2: "Probably Damaging"; Align-GVGD: "Class C0"). This variant is not present in population databases (gnomAD no frequency). This sequence change replaces leucine, which is neutral and non-polar, with proline, which is neutral and non-polar, at codon 319 of the DSP protein (p.Leu319Pro).

NM_004415.4(DSP):c.956T>C (p.Leu319Pro)

Gene: DSP (desmoplakin; plus strand). Cytogenetic location: 6p24.3.
Variant type: single nucleotide variant.
Coding change: c.956T>C on transcript NM_004415.4 (MANE Select); coding-DNA position 956, T replaced by C.
Protein change: p.Leu319Pro; replaces leucine 319 with proline.
Molecular consequence: missense variant.
Genome position (GRCh38, 1-based): chr6:7,566,393, T>C. VCF-style: chr6-7566393-T-C. GRCh37 (hg19) VCF-style: chr6-7566626-T-C.
Other names: c.956T>C, p.Leu319Pro (NM_001008844.3, NM_001319034.2, NM_001406591.1); short protein forms L319P.
Identifiers: ClinVar variation 1715293 (VCV001715293.6), dbSNP rs2533876185, ClinGen allele CA362674784.